The following is an entry in ClinVar:

ClinVar aggregate classification (germline): Uncertain significance (1 of 4 stars; one submission).

Conditions:
Long chain 3-hydroxyacyl-CoA dehydrogenase deficiency. Also called: LCHAD Deficiency; Deficiency of long-chain 3-hydroxyacyl-coenzyme A dehydrogenase. Identifiers: Orphanet 5, MedGen C3711645, MONDO:0012173, OMIM 609016.

gnomAD v4.1: 5 of 1,611,482 alleles (0.00031%); highest among the groups gnomAD compares: East Asian, 0.011%; no homozygotes.

Submission:

Department of Endocrinology and Genetics, Fuzhou Children’s Hospital of Fujian Medical University
Classification: Uncertain significance for Long chain 3-hydroxyacyl-CoA dehydrogenase deficiency. Review status: criteria provided, single submitter. Criteria: ACMG Guidelines, 2015. Collection method: research. Allele origin: maternal. Inheritance: Autosomal recessive inheritance. Affected: yes. Observed: 1 compound heterozygote.
Comment: The c.1643C>T variant in the HADHA gene has a frequency of 0.000008 in both the ExAC and gnomAD databases, suggesting it is extremely rare in the population (PM2). Multiple bioinformatic tools have predicted that this variant may have deleterious effects on the gene or its protein product (PP3). According to the ACMG guidelines, this variant is classified as a variant of uncertain significance (VUS) based on the criteria PM2 and PP3.

Literature cited by the submitters: PubMed 3487815.

NM_000182.5(HADHA):c.1643C>T (p.Thr548Ile)

Genes: GAREM2 (GRB2 associated regulator of MAPK1 subtype 2; plus strand), HADHA (hydroxyacyl-CoA dehydrogenase trifunctional multienzyme complex subunit alpha; minus strand). Cytogenetic location: 2p23.3.
Variant type: single nucleotide variant.
Coding change: c.1643C>T on transcript NM_000182.5 (MANE Select); coding-DNA position 1643, C replaced by T.
Protein change: p.Thr548Ile; replaces threonine 548 with isoleucine.
Molecular consequence: missense variant.
Genome position (GRCh38, 1-based): chr2:26,194,616, G>A on the plus strand (C>T on the coding strand, the complement: HADHA is on the minus strand). VCF-style: chr2-26194616-G-A. GRCh37 (hg19) VCF-style: chr2-26417485-G-A.
Other names: short protein forms T548I.
Identifiers: ClinVar variation 3731550 (VCV003731550.2).
Genomic context (GRCh38, chr2:26,194,616, plus strand): 5'-AGAGCAATACCAACCTGGAGGATTCGGATGACTTCAGACATCATGGGCGCAAGACACCTG[G>A]TAGTATAGAAGCCAGGTCCATCCTGCCAAGGAAGAGAACATGAGCTCCCTGGCCCTGCTG-3'
Protein context (NP_000173.2, residues 538-558): VVKDGPGFYT[Thr548Ile]RCLAPMMSEV